The following is an entry in ClinVar:

NM_001563.4(IMPG1):c.1837C>G (p.Leu613Val)

Gene: IMPG1 (interphotoreceptor matrix proteoglycan 1; minus strand). Cytogenetic location: 6q14.1.
Variant type: single nucleotide variant.
Coding change: c.1837C>G on transcript NM_001563.4 (MANE Select); coding-DNA position 1837, C replaced by G.
Protein change: p.Leu613Val; replaces leucine 613 with valine.
Molecular consequence: missense variant.
Genome position (GRCh38, 1-based): chr6:75,947,521, G>C on the plus strand (C>G on the coding strand, the complement: IMPG1 is on the minus strand). VCF-style: chr6-75947521-G-C. GRCh37 (hg19) VCF-style: chr6-76657238-G-C.
Other names: c.1603C>G, p.Leu535Val (NM_001282368.2); short protein forms L613V, L535V.
Identifiers: ClinVar variation 1406591 (VCV001406591.8), dbSNP rs769638626, ClinGen allele CA3898026.

ClinVar aggregate classification (germline): Uncertain significance (1 of 4 stars; one submission).

Allele frequency attached by ClinVar (database versions not stated): gnomAD exomes below 0.00001; ExAC 0.00001; TOPMed 0.00002; gnomAD 0.00003 and 0.00004.
gnomAD v4.1: 9 of 1,612,608 alleles (0.00056%); highest among the groups gnomAD compares: Non-Finnish European, 0.00076%; no homozygotes.

Submission:

Labcorp Genetics (formerly Invitae), Labcorp
Classification: Uncertain significance. Last evaluated: 2025-05-07. Review status: criteria provided, single submitter. Criteria: Invitae Variant Classification Sherloc (09022015). Collection method: clinical testing. Allele origin: germline.
Comment: This sequence change replaces leucine, which is neutral and non-polar, with valine, which is neutral and non-polar, at codon 613 of the IMPG1 protein (p.Leu613Val). This variant is present in population databases (rs769638626, gnomAD 0.002%). This variant has not been reported in the literature in individuals affected with IMPG1-related conditions. ClinVar contains an entry for this variant (Variation ID: 1406591). An algorithm developed to predict the effect of missense changes on protein structure and function (PolyPhen-2) suggests that this variant is likely to be disruptive. In summary, the available evidence is currently insufficient to determine the role of this variant in disease. Therefore, it has been classified as a Variant of Uncertain Significance.